The following is an entry in ClinVar:

NM_017947.4(MOCOS):c.890C>A (p.Ala297Glu)

Gene: MOCOS (molybdenum cofactor sulfurase; plus strand). Cytogenetic location: 18q12.2.
Variant type: single nucleotide variant.
Coding change: c.890C>A on transcript NM_017947.4 (MANE Select); coding-DNA position 890, C replaced by A.
Protein change: p.Ala297Glu; replaces alanine 297 with glutamic acid.
Molecular consequence: missense variant.
Genome position (GRCh38, 1-based): chr18:36,200,273, C>A. VCF-style: chr18-36200273-C-A. GRCh37 (hg19) VCF-style: chr18-33780236-C-A.
Other names: short protein forms A297E.
Identifiers: ClinVar variation 948151 (VCV000948151.9), dbSNP rs139002197, ClinGen allele CA298655313.
Genomic context (GRCh38, chr18:36,200,273, plus strand): 5'-TCCATAATCGTGCGGCTCCTCTACTGAGGAAGACCTACTTTGGAGGAGGGACAGCCTCTG[C>A]GTACCTAGCAGGAGAAGACTTCTACATCCCGAGGCAGTCGGTAGCTCAGAGGTAACCTTG-3'
Protein context (NP_060417.4, residues 287-307): KTYFGGGTAS[Ala297Glu]YLAGEDFYIP

ClinVar aggregate classification (germline): Uncertain significance. Review status: criteria provided, multiple submitters, no conflicts (2 of 4 stars). 2 submissions from 2 submitters: Uncertain significance (2). Last evaluated 2024-06-12.

Conditions:
Xanthinuria type II. Also called: Xanthine dehydrogenase and aldehyde oxidase combined deficiency of; XDH and AOX dual deficiency. Identifiers: Orphanet 3467, Orphanet 93602, MedGen C1863688, MONDO:0011346, OMIM 603592.

Allele frequency attached by ClinVar (database versions not stated): TOPMed 0.00004; 1000 Genomes Project 30x 0.00016.
gnomAD v4.1: 20 of 1,614,074 alleles (0.0012%); highest among the groups gnomAD compares: Admixed American, 0.023%; no homozygotes.

Submissions (2):

Fulgent Genetics
Classification: Uncertain significance for Xanthinuria type II. Last evaluated: 2024-06-12. Review status: criteria provided, single submitter. Criteria: ACMG Guidelines, 2015. Collection method: clinical testing. Allele origin: germline.

Labcorp Genetics (formerly Invitae), Labcorp
Classification: Uncertain significance for Xanthinuria type II. Last evaluated: 2023-08-24. Review status: criteria provided, single submitter. Criteria: Invitae Variant Classification Sherloc (09022015). Collection method: clinical testing. Allele origin: germline.
Comment: This sequence change replaces alanine, which is neutral and non-polar, with glutamic acid, which is acidic and polar, at codon 297 of the MOCOS protein (p.Ala297Glu). This variant is present in population databases (rs139002197, gnomAD 0.003%). This variant has not been reported in the literature in individuals affected with MOCOS-related conditions. ClinVar contains an entry for this variant (Variation ID: 948151). Advanced modeling of protein sequence and biophysical properties (such as structural, functional, and spatial information, amino acid conservation, physicochemical variation, residue mobility, and thermodynamic stability) performed at Invitae indicates that this missense variant is expected to disrupt MOCOS protein function. In summary, the available evidence is currently insufficient to determine the role of this variant in disease. Therefore, it has been classified as a Variant of Uncertain Significance.